The following is an entry in ClinVar:

NM_001999.4(FBN2):c.4112G>T (p.Cys1371Phe)

Gene: FBN2 (fibrillin 2; minus strand). Cytogenetic location: 5q23.3.
Variant type: single nucleotide variant.
Coding change: c.4112G>T on transcript NM_001999.4 (MANE Select); coding-DNA position 4112, G replaced by T.
Protein change: p.Cys1371Phe; replaces cysteine 1371 with phenylalanine.
Molecular consequence: missense variant.
Genome position (GRCh38, 1-based): chr5:128,333,022, C>A on the plus strand (G>T on the coding strand, the complement: FBN2 is on the minus strand). VCF-style: chr5-128333022-C-A. GRCh37 (hg19) VCF-style: chr5-127668714-C-A.
Other names: short protein forms C1371F.
Identifiers: ClinVar variation 2711866 (VCV002711866.3), dbSNP rs2479792118, ClinGen allele CA360755426.
Genomic context (GRCh38, chr5:128,333,022, plus strand): 5'-AAGCTTCCTGGGATATTCAGACATGAGGCATGCATGTCGCAGTTATGAGCACCAATTTCA[C>A]ACTCATCCACATCTGATAAACCATAATTCATAAGAAGAAAATCAAAATACAAACTAATTA-3'
Protein context (NP_001990.2, residues 1361-1381): GTTGCTDVDE[Cys1371Phe]EIGAHNCDMH

ClinVar aggregate classification (germline): Likely pathogenic (1 of 4 stars; one submission).

Conditions:
Congenital contractural arachnodactyly (CCA). Also called: BEALS SYNDROME; Beals-Hecht syndrome; Arthrogryposis, distal, type 9. Identifiers: Orphanet 115, MedGen C0220668, MONDO:0007363, OMIM 121050.

Submission:

Labcorp Genetics (formerly Invitae), Labcorp
Classification: Likely pathogenic for Congenital contractural arachnodactyly. Last evaluated: 2023-07-08. Review status: criteria provided, single submitter. Criteria: Invitae Variant Classification Sherloc (09022015). Collection method: clinical testing. Allele origin: germline.
Comment: This variant is not present in population databases (gnomAD no frequency). In summary, the currently available evidence indicates that the variant is pathogenic, but additional data are needed to prove that conclusively. Therefore, this variant has been classified as Likely Pathogenic. This variant affects a cysteine residue located within an epidermal growth factor (EGF)–like domain of the FBN2 protein. Cysteine residues in these domains are involved in the formation of disulfide bridges critical for protein structure and stability (PMID: 3495735, 4750422, 16677079). In addition, missense substitutions within the FBN2 EGF-like domains affecting cysteine residues are overrepresented in patients with congenital contractural arachnodactyly (PMID: 18767143). Advanced modeling of protein sequence and biophysical properties (such as structural, functional, and spatial information, amino acid conservation, physicochemical variation, residue mobility, and thermodynamic stability) performed at Invitae indicates that this missense variant is expected to disrupt FBN2 protein function. This variant has not been reported in the literature in individuals affected with FBN2-related conditions. This sequence change replaces cysteine, which is neutral and slightly polar, with phenylalanine, which is neutral and non-polar, at codon 1371 of the FBN2 protein (p.Cys1371Phe).

Literature cited by the submitters: PubMed 3495735; PubMed 4750422; PubMed 16677079; PubMed 18767143.